The following is an entry in ClinVar:

NM_001165.5(BIRC3):c.1202G>A (p.Arg401Lys)

Gene: BIRC3 (baculoviral IAP repeat containing 3; plus strand). Cytogenetic location: 11q22.2.
Variant type: single nucleotide variant.
Coding change: c.1202G>A on transcript NM_001165.5 (MANE Select); coding-DNA position 1202, G replaced by A.
Protein change: p.Arg401Lys; replaces arginine 401 with lysine.
Molecular consequence: missense variant.
Genome position (GRCh38, 1-based): chr11:102,331,119, G>A. VCF-style: chr11-102331119-G-A. GRCh37 (hg19) VCF-style: chr11-102201850-G-A.
Other names: c.1202G>A, p.Arg401Lys (NM_182962.3); short protein forms R401K.
Identifiers: ClinVar variation 773527 (VCV000773527.28), dbSNP rs17881197, ClinGen allele CA6246842.

ClinVar aggregate classification (germline): Likely benign. Review status: criteria provided, multiple submitters, no conflicts (2 of 4 stars). 3 submissions from 3 submitters: Likely benign (3). Last evaluated 2023-12-01.

Allele frequency attached by ClinVar (database versions not stated): 1000 Genomes Project 30x 0.00375; 1000 Genomes Project 0.00379; TOPMed 0.00529; gnomAD 0.00531 and 0.00549; ExAC 0.00586; gnomAD exomes 0.00588 and 0.00828; ESP Exome Variant Server 0.00600.
gnomAD v4.1: 12,883 of 1,613,750 alleles (0.8%); highest among the groups gnomAD compares: Middle Eastern, 1.4%; 70 homozygotes.

Submissions (3):

CeGaT Center for Human Genetics Tuebingen
Classification: Likely benign. Last evaluated: 2023-12-01. Review status: criteria provided, single submitter. Criteria: CeGaT Center For Human Genetics Tuebingen Variant Classification Criteria Version 2. Collection method: clinical testing. Allele origin: germline. Affected: yes. Observed: 2 variant alleles.
Comment: BIRC3: BP4, BS2

Labcorp Genetics (formerly Invitae), Labcorp
Classification: Likely benign. Last evaluated: 2018-07-05. Review status: criteria provided, single submitter. Criteria: Invitae Variant Classification Sherloc (09022015). Collection method: clinical testing. Allele origin: germline.

Breakthrough Genomics
Classification: Likely benign. Review status: criteria provided, single submitter. Criteria: ACMG Guidelines, 2015. Collection method: not provided. Allele origin: germline. Inheritance: Unknown mechanism. Affected: yes.